The following is an entry in ClinVar:

ClinVar aggregate classification (germline): Uncertain significance (1 of 4 stars; one submission).

Allele frequency attached by ClinVar (database versions not stated): gnomAD exomes 0.00001; gnomAD 0.00001; TOPMed below 0.00001; ExAC 0.00001.
gnomAD v4.1: 13 of 1,613,558 alleles (0.00081%); highest among the groups gnomAD compares: East Asian, 0.011%; no homozygotes.

Submission:

Labcorp Genetics (formerly Invitae), Labcorp
Classification: Uncertain significance. Last evaluated: 2022-08-08. Review status: criteria provided, single submitter. Criteria: Invitae Variant Classification Sherloc (09022015). Collection method: clinical testing. Allele origin: germline.
Comment: This sequence change replaces arginine, which is basic and polar, with cysteine, which is neutral and slightly polar, at codon 1400 of the TUBGCP6 protein (p.Arg1400Cys). This variant is present in population databases (rs771761154, gnomAD 0.01%). This variant has not been reported in the literature in individuals affected with TUBGCP6-related conditions. ClinVar contains an entry for this variant (Variation ID: 1495852). Algorithms developed to predict the effect of missense changes on protein structure and function (SIFT, PolyPhen-2, Align-GVGD) all suggest that this variant is likely to be tolerated. In summary, the available evidence is currently insufficient to determine the role of this variant in disease. Therefore, it has been classified as a Variant of Uncertain Significance.

NM_020461.4(TUBGCP6):c.4198C>T (p.Arg1400Cys)

Gene: TUBGCP6 (tubulin gamma complex component 6; minus strand). Cytogenetic location: 22q13.33.
Variant type: single nucleotide variant.
Coding change: c.4198C>T on transcript NM_020461.4 (MANE Select); coding-DNA position 4198, C replaced by T.
Protein change: p.Arg1400Cys; replaces arginine 1400 with cysteine.
Molecular consequence: missense variant.
Genome position (GRCh38, 1-based): chr22:50,219,761, G>A on the plus strand (C>T on the coding strand, the complement: TUBGCP6 is on the minus strand). VCF-style: chr22-50219761-G-A. GRCh37 (hg19) VCF-style: chr22-50658190-G-A.
Other names: short protein forms R1400C.
Identifiers: ClinVar variation 1495852 (VCV001495852.3), dbSNP rs771761154, ClinGen allele CA10307628.
Genomic context (GRCh38, chr22:50,219,761, plus strand): 5'-CCAGGTAGGCCTGCTCCCCACCCTGAGCCTCCGCCGCCGATGCCTCCGCCTCCTCACCAC[G>A]GCCTGGGCTGCTCTGGGCAGCTGTGTCTTCCTAACAAAACACCAGCCTCAGAACCACCTC-3'
Protein context (NP_065194.3, residues 1390-1410): EDTAAQSSPG[Arg1400Cys]GEEAEASAAE